The following is an entry in ClinVar:

ClinVar aggregate classification (germline): Uncertain significance (1 of 4 stars; one submission).

Conditions:
Cardiovascular phenotype. Identifiers: MedGen CN230736.

gnomAD v4.1: 10 of 1,613,874 alleles (0.00062%); highest among the groups gnomAD compares: Non-Finnish European, 0.00068%; no homozygotes.

Submission:

Ambry Genetics
Classification: Uncertain significance for Cardiovascular phenotype. Last evaluated: 2025-08-12. Review status: criteria provided, single submitter. Criteria: Ambry Variant Classification Scheme 2023. Collection method: clinical testing. Allele origin: germline.
Comment: The p.V546A variant (also known as c.1637T>C), located in coding exon 9 of the EPHB4 gene, results from a T to C substitution at nucleotide position 1637. The valine at codon 546 is replaced by alanine, an amino acid with similar properties. This amino acid position is conserved. In addition, this alteration is predicted to be tolerated by in silico analysis. Based on the available evidence, the clinical significance of this variant remains unclear.

NM_004444.5(EPHB4):c.1637T>C (p.Val546Ala)

Gene: EPHB4 (EPH receptor B4; minus strand). Cytogenetic location: 7q22.1.
Variant type: single nucleotide variant.
Coding change: c.1637T>C on transcript NM_004444.5 (MANE Select); coding-DNA position 1637, T replaced by C.
Protein change: p.Val546Ala; replaces valine 546 with alanine.
Molecular consequence: missense variant.
Genome position (GRCh38, 1-based): chr7:100,813,973, A>G on the plus strand (T>C on the coding strand, the complement: EPHB4 is on the minus strand). VCF-style: chr7-100813973-A-G. GRCh37 (hg19) VCF-style: chr7-100411595-A-G.
Other names: short protein forms V546A.
Identifiers: ClinVar variation 4249969 (VCV004249969.1).